The following is an entry in ClinVar:

NM_004333.6(BRAF):c.1655A>G (p.Lys552Arg)

Gene: BRAF (B-Raf proto-oncogene, serine/threonine kinase; minus strand). Cytogenetic location: 7q34.
Variant type: single nucleotide variant.
Coding change: c.1655A>G on transcript NM_004333.6 (MANE Select); coding-DNA position 1655, A replaced by G.
Protein change: p.Lys552Arg; replaces lysine 552 with arginine.
Molecular consequence: missense variant.
Genome position (GRCh38, 1-based): chr7:140,776,951, T>C on the plus strand (A>G on the coding strand, the complement: BRAF is on the minus strand). VCF-style: chr7-140776951-T-C. GRCh37 (hg19) VCF-style: chr7-140476751-T-C.
Other names: c.1655A>G, p.Lys552Arg (NM_001354609.2, NM_001378468.1, NM_001378474.1); c.1775A>G, p.Lys592Arg (NM_001374244.1, NM_001374258.1); c.1664A>G, p.Lys555Arg (NM_001378467.1); c.1589A>G, p.Lys530Arg (NM_001378469.1); c.1553A>G, p.Lys518Arg (NM_001378470.1); c.1544A>G, p.Lys515Arg (NM_001378471.1); c.1499A>G, p.Lys500Arg (NM_001378472.1, NM_001378473.1); c.1391A>G, p.Lys464Arg (NM_001378475.1); short protein forms K552R, K530R, K592R, K500R, K518R, K555R, K464R, K515R.
Identifiers: ClinVar variation 4613757 (VCV004613757.1).

ClinVar aggregate classification (germline): Uncertain significance (1 of 4 stars; one submission).

Conditions:
Cardiovascular phenotype. Identifiers: MedGen CN230736.

gnomAD v4.1: 1 of 1,613,682 alleles (0.000062%); highest among the groups gnomAD compares: Non-Finnish European, 0.000085%; no homozygotes.

Submission:

Ambry Genetics
Classification: Uncertain significance for Cardiovascular phenotype. Last evaluated: 2025-12-01. Review status: criteria provided, single submitter. Criteria: Ambry Variant Classification Scheme 2023. Collection method: clinical testing. Allele origin: germline.
Comment: The p.K552R variant (also known as c.1655A>G), located in coding exon 13 of the BRAF gene, results from an A to G substitution at nucleotide position 1655. The lysine at codon 552 is replaced by arginine, an amino acid with highly similar properties. This amino acid position is conserved. In addition, the in silico prediction for this alteration is inconclusive. Based on the available evidence, the clinical significance of this variant remains unclear.